The following is an entry in ClinVar:

ClinVar aggregate classification (germline): Likely benign. Review status: criteria provided, multiple submitters, no conflicts (2 of 4 stars). 2 submissions from 2 submitters: Likely benign (2). Last evaluated 2025-02-06.

Conditions:
Melnick-Fraser syndrome (BOR). Also called: Branchiootorenal Syndrome (BORS); Branchiootorenal syndrome; Branchio-oto-renal syndrome. Identifiers: Orphanet 107, MedGen C0265234, MONDO:0007029.

Allele frequency attached by ClinVar (database versions not stated): gnomAD exomes below 0.00001 and 0.00001; ExAC 0.00001; gnomAD 0.00001.
gnomAD v4.1: 4 of 1,605,354 alleles (0.00025%); highest among the groups gnomAD compares: Admixed American, 0.0067%; no homozygotes.

Submissions (2):

Mayo Clinic Laboratories, Mayo Clinic
Classification: Likely benign. Last evaluated: 2025-02-06. Review status: criteria provided, single submitter. Criteria: ACMG Guidelines, 2015. Collection method: clinical testing. Allele origin: germline. Observed: 1 variant allele.
Comment: BP4, BP7

Labcorp Genetics (formerly Invitae), Labcorp
Classification: Likely benign for Melnick-Fraser syndrome. Last evaluated: 2022-11-15. Review status: criteria provided, single submitter. Criteria: Invitae Variant Classification Sherloc (09022015). Collection method: clinical testing. Allele origin: germline.

NM_000503.6(EYA1):c.202+9T>C

Gene: EYA1 (EYA transcriptional coactivator and phosphatase 1; minus strand). Cytogenetic location: 8q13.3.
Variant type: single nucleotide variant.
Coding change: c.202+9T>C on transcript NM_000503.6 (MANE Select); 9 bases into the intron after coding-DNA position 202, T replaced by C.
Molecular consequence: intron variant.
Genome position (GRCh38, 1-based): chr8:71,334,088, A>G on the plus strand (T>C on the coding strand, the complement: EYA1 is on the minus strand). VCF-style: chr8-71334088-A-G. GRCh37 (hg19) VCF-style: chr8-72246323-A-G.
Other names: p.?; c.289+9T>C (NM_001370336.1, NM_001370333.1, NM_172059.5); c.202+9T>C (NM_001370335.1, NM_001370334.1, NM_001288574.2 and 1 more transcripts); c.-83+9T>C (NM_001288575.2).
Identifiers: ClinVar variation 1666478 (VCV001666478.9), dbSNP rs755469377, ClinGen allele CA4779861.